The following is an entry in ClinVar:

NM_001369268.1(ACAN):c.1361C>T (p.Thr454Met)

Gene: ACAN (aggrecan; plus strand). Cytogenetic location: 15q26.1.
Variant type: single nucleotide variant.
Coding change: c.1361C>T on transcript NM_001369268.1 (MANE Select); coding-DNA position 1361, C replaced by T.
Protein change: p.Thr454Met; replaces threonine 454 with methionine.
Molecular consequence: missense variant.
Genome position (GRCh38, 1-based): chr15:88,845,814, C>T. VCF-style: chr15-88845814-C-T. GRCh37 (hg19) VCF-style: chr15-89389045-C-T.
Other names: c.1361C>T, p.Thr454Met (NM_001135.4, NM_001411096.1, NM_001411097.1 and 1 more transcripts); short protein forms T454M.
Identifiers: ClinVar variation 2454362 (VCV002454362.6), dbSNP rs575245223, ClinGen allele CA7719524.

ClinVar aggregate classification (germline): Uncertain significance. Review status: criteria provided, multiple submitters, no conflicts (2 of 4 stars). 3 submissions from 3 submitters: Uncertain significance (3). Last evaluated 2025-08-27.

Conditions:
Inborn genetic diseases. Identifiers: MedGen C0950123, MeSH D030342.

Allele frequency attached by ClinVar (database versions not stated): TOPMed 0.00003; gnomAD 0.00006; 1000 Genomes Project 30x 0.00016; ExAC 0.00020.
gnomAD v4.1: 88 of 1,545,574 alleles (0.0057%); highest among the groups gnomAD compares: South Asian, 0.071%; no homozygotes.

Submissions (3):

Ambry Genetics
Classification: Uncertain significance for Inborn genetic diseases. Last evaluated: 2025-08-27. Review status: criteria provided, single submitter. Criteria: Ambry Variant Classification Scheme 2023. Collection method: clinical testing. Allele origin: germline.

Labcorp Genetics (formerly Invitae), Labcorp
Classification: Uncertain significance. Last evaluated: 2025-07-20. Review status: criteria provided, single submitter. Criteria: Invitae Variant Classification Sherloc (09022015). Collection method: clinical testing. Allele origin: germline.
Comment: This sequence change replaces threonine, which is neutral and polar, with methionine, which is neutral and non-polar, at codon 454 of the ACAN protein (p.Thr454Met). This variant is present in population databases (rs575245223, gnomAD 0.06%). This variant has not been reported in the literature in individuals affected with ACAN-related conditions. ClinVar contains an entry for this variant (Variation ID: 2454362). Invitae Evidence Modeling of protein sequence and biophysical properties (such as structural, functional, and spatial information, amino acid conservation, physicochemical variation, residue mobility, and thermodynamic stability) indicates that this missense variant is not expected to disrupt ACAN protein function with a negative predictive value of 80%. In summary, the available evidence is currently insufficient to determine the role of this variant in disease. Therefore, it has been classified as a Variant of Uncertain Significance.

Blueprint Genetics
Classification: Uncertain significance. Last evaluated: 2023-10-04. Review status: criteria provided, single submitter. Criteria: ACMG Guidelines, 2015. Collection method: clinical testing. Allele origin: germline.